The following is an entry in ClinVar:

ClinVar aggregate classification (germline): Uncertain significance (1 of 4 stars; one submission).

Conditions:
Inborn genetic diseases. Identifiers: MedGen C0950123, MeSH D030342.

Submission:

Ambry Genetics
Classification: Uncertain significance for Inborn genetic diseases. Last evaluated: 2026-01-13. Review status: criteria provided, single submitter. Criteria: Ambry Variant Classification Scheme 2023. Collection method: clinical testing. Allele origin: germline.
Comment: The p.A1362T variant (also known as c.4084G>A), located in coding exon 13 of the ASXL1 gene, results from a G to A substitution at nucleotide position 4084. The alanine at codon 1362 is replaced by threonine, an amino acid with similar properties. This amino acid position is conserved. In addition, this alteration is predicted to be tolerated by in silico analysis. Based on the available evidence, the clinical significance of this variant remains unclear.

NM_015338.6(ASXL1):c.4084G>A (p.Ala1362Thr)

Gene: ASXL1 (ASXL transcriptional regulator 1; plus strand). Cytogenetic location: 20q11.21.
Variant type: single nucleotide variant.
Coding change: c.4084G>A on transcript NM_015338.6 (MANE Select); coding-DNA position 4084, G replaced by A.
Protein change: p.Ala1362Thr; replaces alanine 1362 with threonine.
Molecular consequence: missense variant.
Genome position (GRCh38, 1-based): chr20:32,436,796, G>A. VCF-style: chr20-32436796-G-A. GRCh37 (hg19) VCF-style: chr20-31024599-G-A.
Other names: c.3901G>A, p.Ala1301Thr (NM_001363734.1); short protein forms A1301T, A1362T.
Identifiers: ClinVar variation 4843676 (VCV004843676.1).
Genomic context (GRCh38, chr20:32,436,796, plus strand): 5'-ACAAACTCCATGTCTGGTGGGGTACAGACTCCAAGGGAAGACTGGGCTCCAAAGCCACAT[G>A]CCTTTGTTGGCAGCGTCAAGAATGAGAAGACTTTTGTGGGGGGTCCTCTTAAGGCAAATG-3'
Protein context (NP_056153.2, residues 1352-1372): PREDWAPKPH[Ala1362Thr]FVGSVKNEKT